The following is an entry in ClinVar:

NM_001376.5(DYNC1H1):c.4542+6G>C

Gene: DYNC1H1 (dynein cytoplasmic 1 heavy chain 1; plus strand). Cytogenetic location: 14q32.31.
Variant type: single nucleotide variant.
Coding change: c.4542+6G>C on transcript NM_001376.5 (MANE Select); 6 bases into the intron after coding-DNA position 4542, G replaced by C.
Molecular consequence: intron variant.
Genome position (GRCh38, 1-based): chr14:102,001,687, G>C. VCF-style: chr14-102001687-G-C. GRCh37 (hg19) VCF-style: chr14-102468024-G-C.
Identifiers: ClinVar variation 3650888 (VCV003650888.2).

ClinVar aggregate classification (germline): Uncertain significance (1 of 4 stars; one submission).

Conditions:
Charcot-Marie-Tooth disease axonal type 2O. Also called: CHARCOT-MARIE-TOOTH NEUROPATHY, AXONAL, TYPE 2O; CHARCOT-MARIE-TOOTH DISEASE, AXONAL, AUTOSOMAL DOMINANT, TYPE 2O; Charcot-Marie-Tooth Neuropathy Type 2O; Charcot-Marie-Tooth disease, axonal, type 20. Identifiers: Orphanet 284232, MedGen C3280220, MONDO:0013644, OMIM 614228.

Submission:

Labcorp Genetics (formerly Invitae), Labcorp
Classification: Uncertain significance for Charcot-Marie-Tooth disease axonal type 2O. Last evaluated: 2024-04-25. Review status: criteria provided, single submitter. Criteria: Invitae Variant Classification Sherloc (09022015). Collection method: clinical testing. Allele origin: germline.
Comment: This sequence change falls in intron 21 of the DYNC1H1 gene. It does not directly change the encoded amino acid sequence of the DYNC1H1 protein. It affects a nucleotide within the consensus splice site. This variant is not present in population databases (gnomAD no frequency). This variant has not been reported in the literature in individuals affected with DYNC1H1-related conditions. Variants that disrupt the consensus splice site are a relatively common cause of aberrant splicing (PMID: 17576681, 9536098). Algorithms developed to predict the effect of sequence changes on RNA splicing suggest that this variant is not likely to affect RNA splicing. In summary, the available evidence is currently insufficient to determine the role of this variant in disease. Therefore, it has been classified as a Variant of Uncertain Significance.

Literature cited by the submitters: PubMed 17576681; PubMed 9536098.